The following is an entry in ClinVar:

NM_014003.4(DHX38):c.1085G>T (p.Arg362Leu)

Gene: DHX38 (DEAH-box helicase 38; plus strand). Cytogenetic location: 16q22.2.
Variant type: single nucleotide variant.
Coding change: c.1085G>T on transcript NM_014003.4 (MANE Select); coding-DNA position 1085, G replaced by T.
Protein change: p.Arg362Leu; replaces arginine 362 with leucine.
Molecular consequence: missense variant.
Genome position (GRCh38, 1-based): chr16:72,099,856, G>T. VCF-style: chr16-72099856-G-T. GRCh37 (hg19) VCF-style: chr16-72133755-G-T.
Other names: short protein forms R362L.
Identifiers: ClinVar variation 942687 (VCV000942687.9), dbSNP rs138115620, ClinGen allele CA396704552.

ClinVar aggregate classification (germline): Uncertain significance (1 of 4 stars; one submission).

gnomAD v4.1: 1 of 1,611,536 alleles (0.000062%); highest among the groups gnomAD compares: Non-Finnish European, 0.000085%; no homozygotes.

Submission:

Labcorp Genetics (formerly Invitae), Labcorp
Classification: Uncertain significance. Last evaluated: 2022-01-13. Review status: criteria provided, single submitter. Criteria: Invitae Variant Classification Sherloc (09022015). Collection method: clinical testing. Allele origin: germline.
Comment: Algorithms developed to predict the effect of missense changes on protein structure and function (SIFT, PolyPhen-2, Align-GVGD) all suggest that this variant is likely to be disruptive. In summary, the available evidence is currently insufficient to determine the role of this variant in disease. Therefore, it has been classified as a Variant of Uncertain Significance. ClinVar contains an entry for this variant (Variation ID: 942687). This variant has not been reported in the literature in individuals affected with DHX38-related conditions. This variant is not present in population databases (gnomAD no frequency). This sequence change replaces arginine, which is basic and polar, with leucine, which is neutral and non-polar, at codon 362 of the DHX38 protein (p.Arg362Leu).